The following is an entry in ClinVar:

ClinVar aggregate classification (germline): Pathogenic. Review status: criteria provided, multiple submitters, no conflicts (2 of 4 stars). 2 submissions from 2 submitters: Pathogenic (2). Last evaluated 2022-01-01.

Conditions:
Hereditary spastic paraplegia 7 (SPG7). Also called: SPASTIC PARAPLEGIA 7, AUTOSOMAL RECESSIVE, WITH OR WITHOUT CEREBELLAR ATAXIA; Spastic paraplegia 7; Hereditary spastic paraplegia Paraplegin type; Autosomal recessive spastic paraplegia type 7; SPG7-related neurologic disorder. Identifiers: Orphanet 99013, MedGen C1846564, MONDO:0011803, OMIM 607259.

Submissions (2):

PROSPAX: an integrated multimodal progression  chart in spastic ataxias, Center for Neurology; Hertie-Institute for Clinical Brain Research
Classification: Pathogenic for Hereditary spastic paraplegia 7. Last evaluated: 2022-01-01. Review status: criteria provided, single submitter. Criteria: ACMG Guidelines, 2015. Collection method: research. Allele origin: germline. Affected: yes.
Comment: Variant seen in compound het: [c.1454_1462del;c.778_782delinsCCA]

Paris Brain Institute, Inserm - ICM
Classification: Pathogenic for Hereditary spastic paraplegia 7. Review status: criteria provided, single submitter. Criteria: ACMG Guidelines, 2015. Collection method: clinical testing. Allele origin: unknown. Affected: yes. Observed: 2 variant alleles.

NM_003119.4(SPG7):c.778_782delinsCCA (p.Met260fs)

Gene: SPG7 (SPG7 matrix AAA peptidase subunit, paraplegin; plus strand). Cytogenetic location: 16q24.3.
Variant type: Indel.
Coding change: c.778_782delinsCCA on transcript NM_003119.4 (MANE Select); coding-DNA positions 778 to 782, ATGAC replaced by CCA.
Protein change: p.Met260fs; shifts the reading frame from methionine 260.
Molecular consequence: frameshift variant.
Genome position (GRCh38, 1-based): chr16:89,529,496-89,529,500, ATGAC replaced by CCA. VCF-style: chr16-89529496-ATGAC-CCA. GRCh37 (hg19) VCF-style: chr16-89595904-ATGAC-CCA.
Other names: c.778_782delinsCCA, p.Met260fs (NM_001363850.1, NM_199367.3); c.778_782delinsCCA (NM_003119.2); short protein forms M260fs.
Identifiers: ClinVar variation 989043 (VCV000989043.2), dbSNP rs2152402048, ClinGen allele CA2499223785.